The following is an entry in ClinVar:

NM_021615.5(CHST6):c.*5445G>A

Gene: CHST6 (carbohydrate sulfotransferase 6; minus strand). Cytogenetic location: 16q23.1.
Variant type: single nucleotide variant.
Coding change: c.*5445G>A on transcript NM_021615.5 (MANE Select); 5445 bases downstream of the stop codon, G replaced by A.
Molecular consequence: 3 prime UTR variant. On other transcripts: non-coding transcript variant (2).
Genome position (GRCh38, 1-based): chr16:75,473,196, C>T on the plus strand (G>A on the coding strand, the complement: CHST6 is on the minus strand). VCF-style: chr16-75473196-C-T. GRCh37 (hg19) VCF-style: chr16-75507094-C-T.
Identifiers: ClinVar variation 320505 (VCV000320505.5), dbSNP rs10871313, ClinGen allele CA10644236.

ClinVar aggregate classification (germline): Benign (1 of 4 stars; one submission).

Conditions:
Macular corneal dystrophy (MCD). Also called: GROENOUW TYPE II CORNEAL DYSTROPHY; Macular corneal dystrophy Type I. Identifiers: Orphanet 98969, MedGen C1636149, MONDO:0009020, OMIM 217800.

Allele frequency attached by ClinVar (database versions not stated): 1000 Genomes Project 0.65815; 1000 Genomes Project 30x 0.65865; gnomAD 0.66442 and 0.66505; TOPMed 0.67171; gnomAD exomes 0.73333.

Submission:

Illumina Laboratory Services, Illumina
Classification: Benign for Macular corneal dystrophy. Last evaluated: 2018-01-12. Review status: criteria provided, single submitter. Criteria: ICSL Variant Classification Criteria 13 December 2019. Collection method: clinical testing. Allele origin: germline.
Comment: This variant was observed in the ICSL laboratory as part of a predisposition screen in an ostensibly healthy population. It had not been previously curated by ICSL or reported in the Human Gene Mutation Database (HGMD: prior to June 1st, 2018), and was therefore a candidate for classification through an automated scoring system. Utilizing variant allele frequency, disease prevalence and penetrance estimates, and inheritance mode, an automated score was calculated to assess if this variant is too frequent to cause the disease. Based on the score and internal cut-off values, a variant classified as benign is not then subjected to further curation. The score for this variant resulted in a classification of benign for this disease.